The following is an entry in ClinVar:

ClinVar aggregate classification (germline): Uncertain significance (1 of 4 stars; one submission).

Conditions:
Werner syndrome (WRN). Identifiers: Orphanet 902, MedGen C0043119, MONDO:0010196, OMIM 277700.

gnomAD v4.1: 2 of 1,614,192 alleles (0.00012%); highest among the groups gnomAD compares: Non-Finnish European, 0.00017%; no homozygotes.

Submission:

Labcorp Genetics (formerly Invitae), Labcorp
Classification: Uncertain significance for Werner syndrome. Last evaluated: 2023-10-17. Review status: criteria provided, single submitter. Criteria: Invitae Variant Classification Sherloc (09022015). Collection method: clinical testing. Allele origin: germline.
Comment: This sequence change replaces asparagine, which is neutral and polar, with histidine, which is basic and polar, at codon 1055 of the WRN protein (p.Asn1055His). This variant is present in population databases (rs770793076, gnomAD 0.003%). This variant has not been reported in the literature in individuals affected with WRN-related conditions. An algorithm developed to predict the effect of missense changes on protein structure and function (PolyPhen-2) suggests that this variant is likely to be disruptive. In summary, the available evidence is currently insufficient to determine the role of this variant in disease. Therefore, it has been classified as a Variant of Uncertain Significance.

NM_000553.6(WRN):c.3163A>C (p.Asn1055His)

Gene: WRN (WRN RecQ like helicase; plus strand). Cytogenetic location: 8p12.
Variant type: single nucleotide variant.
Coding change: c.3163A>C on transcript NM_000553.6 (MANE Select); coding-DNA position 3163, A replaced by C.
Protein change: p.Asn1055His; replaces asparagine 1055 with histidine.
Molecular consequence: missense variant.
Genome position (GRCh38, 1-based): chr8:31,141,705, A>C. VCF-style: chr8-31141705-A-C. GRCh37 (hg19) VCF-style: chr8-30999221-A-C.
Other names: short protein forms N1055H.
Identifiers: ClinVar variation 3002325 (VCV003002325.3), dbSNP rs770793076, ClinGen allele CA4704955.